The following is an entry in ClinVar:

ClinVar aggregate classification (germline): Uncertain significance. Review status: criteria provided, multiple submitters, no conflicts (2 of 4 stars). 2 submissions from 2 submitters: Uncertain significance (2). Last evaluated 2025-07-31.

Conditions:
Mosaic variegated aneuploidy syndrome 1 (MVA1). Also called: Warburton-Anyane-Yeboa syndrome. Identifiers: Orphanet 1052, MedGen C1850343, MONDO:0009759, OMIM 257300.
Inborn genetic diseases. Identifiers: MedGen C0950123, MeSH D030342.

gnomAD v4.1: 5 of 1,614,164 alleles (0.00031%); highest among the groups gnomAD compares: Non-Finnish European, 0.00042%; no homozygotes.

Submissions (2):

Ambry Genetics
Classification: Uncertain significance for Inborn genetic diseases. Last evaluated: 2025-07-31. Review status: criteria provided, single submitter. Criteria: Ambry Variant Classification Scheme 2023. Collection method: clinical testing. Allele origin: germline.

Labcorp Genetics (formerly Invitae), Labcorp
Classification: Uncertain significance for Mosaic variegated aneuploidy syndrome 1. Last evaluated: 2020-10-13. Review status: criteria provided, single submitter. Criteria: Invitae Variant Classification Sherloc (09022015). Collection method: clinical testing. Allele origin: germline.
Comment: This variant has not been reported in the literature in individuals with BUB1B-related conditions. Algorithms developed to predict the effect of missense changes on protein structure and function output the following: SIFT: "Tolerated"; PolyPhen-2: "Benign"; Align-GVGD: "Class C0". The aspartic acid amino acid residue is found in multiple mammalian species, suggesting that this missense change does not adversely affect protein function. These predictions have not been confirmed by published functional studies and their clinical significance is uncertain. In summary, the available evidence is currently insufficient to determine the role of this variant in disease. Therefore, it has been classified as a Variant of Uncertain Significance. This variant is not present in population databases (ExAC no frequency). This sequence change replaces glutamic acid with aspartic acid at codon 18 of the BUB1B protein (p.Glu18Asp). The glutamic acid residue is weakly conserved and there is a small physicochemical difference between glutamic acid and aspartic acid.

NM_001211.6(BUB1B):c.54G>C (p.Glu18Asp)

Gene: BUB1B (BUB1 mitotic checkpoint serine/threonine kinase B; plus strand). Cytogenetic location: 15q15.1.
Variant type: single nucleotide variant.
Coding change: c.54G>C on transcript NM_001211.6 (MANE Select); coding-DNA position 54, G replaced by C.
Protein change: p.Glu18Asp; replaces glutamic acid 18 with aspartic acid.
Molecular consequence: missense variant.
Genome position (GRCh38, 1-based): chr15:40,165,071, G>C. VCF-style: chr15-40165071-G-C. GRCh37 (hg19) VCF-style: chr15-40457272-G-C.
Other names: c.54G>C (NM_001211.5); short protein forms E18D.
Identifiers: ClinVar variation 1036995 (VCV001036995.14), dbSNP rs777141944, ClinGen allele CA268764641.